The following is an entry in ClinVar:

ClinVar aggregate classification (germline): Pathogenic (1 of 4 stars; one submission).

Submission:

GeneDx
Classification: Pathogenic. Last evaluated: 2018-11-20. Review status: criteria provided, single submitter. Criteria: GeneDx Variant Classification (06012015). Collection method: clinical testing. Allele origin: germline. Affected: yes.
Comment: The c.4010delC variant in the GLI3 gene has not been reported previously as a pathogenic variant nor as a benign variant, to our knowledge. The c.4010delC variant causes a frameshift starting with codon Alanine 1337, changes this amino acid to a Glutamic acid residue, and creates a premature Stop codon at position 82 of the new reading frame, denoted p.Ala1337GlufsX82. This variant is predicted to cause loss of normal protein function through protein truncation. The c.4010delC variant is not observed in large population cohorts (Lek et al., 2016). We interpret c.4010delC as a pathogenic variant.

NM_000168.6(GLI3):c.4010del (p.Ala1337fs)

Gene: GLI3 (GLI family zinc finger 3; minus strand). Cytogenetic location: 7p14.1.
Variant type: Deletion.
Coding change: c.4010del on transcript NM_000168.6 (MANE Select); coding-DNA position 4010, one base deleted (C; older notation c.4010delC).
Protein change: p.Ala1337fs; shifts the reading frame from alanine 1337.
Molecular consequence: frameshift variant.
Genome position (GRCh38, 1-based): chr7:41,965,063, G deleted on the plus strand (C on the coding strand, the reverse complement: GLI3 is on the minus strand). VCF-style (leftmost placement, unchanged base first): chr7-41965062-TG-T. GRCh37 (hg19) VCF-style: chr7-42004660-TG-T.
Other names: short protein forms A1337fs.
Identifiers: ClinVar variation 817888 (VCV000817888.1), dbSNP rs1583728570, ClinGen allele CA915944912.
Genomic context (GRCh38, chr7:41,965,062, plus strand): 5'-GTAGATGTTGATGTGTGAGGTAGCACTAATCTGCCCAAGCATCTGCTGACCGGGGCGGCC[TG>T]CCCCCGGGTGCTGCATGCTGTCGCCGAGGAGCTGGTGAGCCAGGTACCCCTGTCCCACTG-3'